The following is an entry in ClinVar:

ClinVar aggregate classification (germline): Likely benign (1 of 4 stars; one submission).

Allele frequency attached by ClinVar (database versions not stated): ExAC 0.00001; gnomAD 0.00001; TOPMed 0.00002.
gnomAD v4.1: 11 of 1,613,908 alleles (0.00068%); highest among the groups gnomAD compares: East Asian, 0.0022%; no homozygotes.

Submission:

CeGaT Center for Human Genetics Tuebingen
Classification: Likely benign. Last evaluated: 2023-04-01. Review status: criteria provided, single submitter. Criteria: CeGaT Center For Human Genetics Tuebingen Variant Classification Criteria Version 2. Collection method: clinical testing. Allele origin: germline. Affected: yes. Observed: 1 variant allele.
Comment: SCG5: BP4, BP7

NM_001144757.3(SCG5):c.282C>T (p.Ile94=)

Genes: ARHGAP11A-SCG5 (ARHGAP11A-SCG5 readthrough; plus strand), SCG5 (secretogranin V; plus strand). Cytogenetic location: 15q13.3.
Variant type: single nucleotide variant.
Coding change: c.282C>T on transcript NM_001144757.3 (MANE Select); coding-DNA position 282, C replaced by T.
Protein change: p.Ile94=; no amino-acid change (isoleucine 94 retained).
Molecular consequence: synonymous variant.
Genome position (GRCh38, 1-based): chr15:32,679,821, C>T. VCF-style: chr15-32679821-C-T. GRCh37 (hg19) VCF-style: chr15-32972022-C-T.
Other names: c.1524C>T, p.Ile508= (NM_001368319.1); c.282C>T, p.Ile94= (NM_001394278.1, NM_001394279.1, NM_003020.5).
Identifiers: ClinVar variation 2645127 (VCV002645127.24), dbSNP rs529878476, ClinGen allele CA7455914.